The following is an entry in ClinVar:

NM_198253.3(TERT):c.1393G>T (p.Val465Leu)

Gene: TERT (telomerase reverse transcriptase; minus strand). Cytogenetic location: 5p15.33.
Variant type: single nucleotide variant.
Coding change: c.1393G>T on transcript NM_198253.3 (MANE Select); coding-DNA position 1393, G replaced by T.
Protein change: p.Val465Leu; replaces valine 465 with leucine.
Molecular consequence: missense variant. On other transcripts: non-coding transcript variant (2).
Genome position (GRCh38, 1-based): chr5:1,293,493, C>A on the plus strand (G>T on the coding strand, the complement: TERT is on the minus strand). VCF-style: chr5-1293493-C-A. GRCh37 (hg19) VCF-style: chr5-1293608-C-A.
Other names: c.1393G>T, p.Val465Leu (NM_001193376.3, NM_003219.1); short protein forms V465L.
Identifiers: ClinVar variation 2940965 (VCV002940965.4), dbSNP rs758110675, ClinGen allele CA359085812.

ClinVar aggregate classification (germline): Conflicting classifications of pathogenicity. Review status: criteria provided, conflicting classifications (1 of 4 stars). 2 submissions from 2 submitters: Uncertain significance (1); Likely benign (1). Last evaluated 2025-10-10.

Conditions:
Idiopathic Pulmonary Fibrosis. Also called: Idiopathic fibrosing alveolitis, chronic form; idiopathic fibrosing alveolitis. Identifiers: Orphanet 2032, MedGen C1800706, MeSH D054990, MONDO:0800504.
Dyskeratosis congenita, autosomal dominant 2. Identifiers: MedGen C3151443, MONDO:0013521, OMIM 613989.
Dyskeratosis congenita. Identifiers: Orphanet 1775, MedGen C0265965, MONDO:0015780.

Submissions (2):

Ambry Genetics
Classification: Likely benign for Dyskeratosis congenita. Last evaluated: 2025-10-10. Review status: criteria provided, single submitter. Criteria: Ambry Variant Classification Scheme 2023. Collection method: clinical testing. Allele origin: germline.

Labcorp Genetics (formerly Invitae), Labcorp
Classification: Uncertain significance for Dyskeratosis congenita, autosomal dominant 2; Idiopathic Pulmonary Fibrosis. Last evaluated: 2024-05-09. Review status: criteria provided, single submitter. Criteria: Invitae Variant Classification Sherloc (09022015). Collection method: clinical testing. Allele origin: germline.
Comment: This sequence change replaces valine, which is neutral and non-polar, with leucine, which is neutral and non-polar, at codon 465 of the TERT protein (p.Val465Leu). This variant is not present in population databases (gnomAD no frequency). This variant has not been reported in the literature in individuals affected with TERT-related conditions. Advanced modeling of protein sequence and biophysical properties (such as structural, functional, and spatial information, amino acid conservation, physicochemical variation, residue mobility, and thermodynamic stability) performed at Invitae indicates that this missense variant is not expected to disrupt TERT protein function with a negative predictive value of 95%. In summary, the available evidence is currently insufficient to determine the role of this variant in disease. Therefore, it has been classified as a Variant of Uncertain Significance.